The following is an entry in ClinVar:

NM_014425.5(INVS):c.2659C>T (p.Gln887Ter)

Gene: INVS (inversin; plus strand). Cytogenetic location: 9q31.1.
Variant type: single nucleotide variant.
Coding change: c.2659C>T on transcript NM_014425.5 (MANE Select); coding-DNA position 2659, C replaced by T.
Protein change: p.Gln887Ter; replaces glutamine 887 with a stop codon.
Molecular consequence: nonsense. On other transcripts: non-coding transcript variant (1).
Genome position (GRCh38, 1-based): chr9:100,292,916, C>T. VCF-style: chr9-100292916-C-T. GRCh37 (hg19) VCF-style: chr9-103055198-C-T.
Other names: c.2371C>T, p.Gln791Ter (NM_001318381.2); c.1681C>T, p.Gln561Ter (NM_001318382.2); short protein forms Q887*, Q561*, Q791*.
Identifiers: ClinVar variation 1908331 (VCV001908331.5), dbSNP rs2490118392, ClinGen allele CA374244227.

ClinVar aggregate classification (germline): Pathogenic (1 of 4 stars; one submission).

Conditions:
Nephronophthisis. Also called: Juvenile Nephronophthisis. Identifiers: Orphanet 655, MedGen C0687120, MONDO:0019005, HP:0000090.

Submission:

Labcorp Genetics (formerly Invitae), Labcorp
Classification: Pathogenic for Nephronophthisis. Last evaluated: 2022-03-09. Review status: criteria provided, single submitter. Criteria: Invitae Variant Classification Sherloc (09022015). Collection method: clinical testing. Allele origin: germline.
Comment: For these reasons, this variant has been classified as Pathogenic. This variant has not been reported in the literature in individuals affected with INVS-related conditions. This variant is not present in population databases (gnomAD no frequency). This sequence change creates a premature translational stop signal (p.Gln887*) in the INVS gene. It is expected to result in an absent or disrupted protein product. Loss-of-function variants in INVS are known to be pathogenic (PMID: 12872123).

Literature cited by the submitters: PubMed 12872123.